The following is an entry in ClinVar:

NM_001184.4(ATR):c.5404G>A (p.Val1802Ile)

Gene: ATR (ATR checkpoint kinase; minus strand). Cytogenetic location: 3q23.
Variant type: single nucleotide variant.
Coding change: c.5404G>A on transcript NM_001184.4 (MANE Select); coding-DNA position 5404, G replaced by A.
Protein change: p.Val1802Ile; replaces valine 1802 with isoleucine.
Molecular consequence: missense variant.
Genome position (GRCh38, 1-based): chr3:142,498,751, C>T on the plus strand (G>A on the coding strand, the complement: ATR is on the minus strand). VCF-style: chr3-142498751-C-T. GRCh37 (hg19) VCF-style: chr3-142217593-C-T.
Other names: c.5212G>A, p.Val1738Ile (NM_001354579.2); short protein forms V1738I, V1802I.
Identifiers: ClinVar variation 1747324 (VCV001747324.2), dbSNP rs2108341757, ClinGen allele CA354816326.

ClinVar aggregate classification (germline): Uncertain significance (1 of 4 stars; one submission).

Conditions:
Inborn genetic diseases. Identifiers: MedGen C0950123, MeSH D030342.

Submission:

Ambry Genetics
Classification: Uncertain significance for Inborn genetic diseases. Last evaluated: 2022-08-22. Review status: criteria provided, single submitter. Criteria: Ambry Variant Classification Scheme 2023. Collection method: clinical testing. Allele origin: germline.
Comment: The p.V1802I variant (also known as c.5404G>A), located in coding exon 32 of the ATR gene, results from a G to A substitution at nucleotide position 5404. The valine at codon 1802 is replaced by isoleucine, an amino acid with highly similar properties. This amino acid position is conserved. In addition, this alteration is predicted to be tolerated by in silico analysis. Since supporting evidence is limited at this time, the clinical significance of this alteration remains unclear.